The following is an entry in ClinVar:

NM_004525.3(LRP2):c.*544T>C

Gene: LRP2 (LDL receptor related protein 2; minus strand). Cytogenetic location: 2q31.1.
Variant type: single nucleotide variant.
Coding change: c.*544T>C on transcript NM_004525.3 (MANE Select); 544 bases downstream of the stop codon, T replaced by C.
Molecular consequence: 3 prime UTR variant.
Genome position (GRCh38, 1-based): chr2:169,128,119, A>G on the plus strand (T>C on the coding strand, the complement: LRP2 is on the minus strand). VCF-style: chr2-169128119-A-G. GRCh37 (hg19) VCF-style: chr2-169984629-A-G.
Identifiers: ClinVar variation 332058 (VCV000332058.6), dbSNP rs79052831, ClinGen allele CA10611722.

ClinVar aggregate classification (germline): Benign. Review status: criteria provided, multiple submitters, no conflicts (2 of 4 stars). 2 submissions from 2 submitters: Benign (2). Last evaluated 2018-01-13.

Conditions:
Donnai-Barrow syndrome. Also called: DBS/FOAR SYNDROME; FACIOOCULOACOUSTICORENAL SYNDROME. Identifiers: Orphanet 2143, MedGen C1857277, MONDO:0009104, OMIM 222448.

Allele frequency attached by ClinVar (database versions not stated): 1000 Genomes Project 0.03634; 1000 Genomes Project 30x 0.03716; gnomAD exomes 0.04762; TOPMed 0.04910; gnomAD 0.05038 and 0.05096.
gnomAD v4.1: 8,073 of 160,814 alleles (5%); highest among the groups gnomAD compares: South Asian, 6.1%; 212 homozygotes.

Submissions (2):

Illumina Laboratory Services, Illumina
Classification: Benign for Donnai-Barrow syndrome. Last evaluated: 2018-01-13. Review status: criteria provided, single submitter. Criteria: ICSL Variant Classification Criteria 13 December 2019. Collection method: clinical testing. Allele origin: germline.
Comment: This variant was observed in the ICSL laboratory as part of a predisposition screen in an ostensibly healthy population. It had not been previously curated by ICSL or reported in the Human Gene Mutation Database (HGMD: prior to June 1st, 2018), and was therefore a candidate for classification through an automated scoring system. Utilizing variant allele frequency, disease prevalence and penetrance estimates, and inheritance mode, an automated score was calculated to assess if this variant is too frequent to cause the disease. Based on the score and internal cut-off values, a variant classified as benign is not then subjected to further curation. The score for this variant resulted in a classification of benign for this disease.

Breakthrough Genomics
Classification: Benign. Review status: criteria provided, single submitter. Criteria: ACMG Guidelines, 2015. Collection method: not provided. Allele origin: germline. Inheritance: Autosomal recessive inheritance. Affected: yes.